The following is an entry in ClinVar:

ClinVar aggregate classification (germline): Uncertain significance. Review status: criteria provided, multiple submitters, no conflicts (2 of 4 stars). 2 submissions from 2 submitters: Uncertain significance (2). Last evaluated 2022-07-25.

Conditions:
Alstrom syndrome (ALMS). Identifiers: Orphanet 64, MedGen C0268425, MONDO:0008763, OMIM 203800.
Cardiovascular phenotype. Identifiers: MedGen CN230736.

Allele frequency attached by ClinVar (database versions not stated): gnomAD exomes below 0.00001 and 0.00001; ExAC 0.00001.
gnomAD v4.1: 2 of 1,614,108 alleles (0.00012%); highest among the groups gnomAD compares: Non-Finnish European, 0.000085%; no homozygotes.

Submissions (2):

Labcorp Genetics (formerly Invitae), Labcorp
Classification: Uncertain significance for Alstrom syndrome. Last evaluated: 2022-07-25. Review status: criteria provided, single submitter. Criteria: Invitae Variant Classification Sherloc (09022015). Collection method: clinical testing. Allele origin: germline.
Comment: This sequence change replaces serine, which is neutral and polar, with glycine, which is neutral and non-polar, at codon 1987 of the ALMS1 protein (p.Ser1987Gly). This variant is present in population databases (rs778684767, gnomAD 0.002%). This variant has not been reported in the literature in individuals affected with ALMS1-related conditions. ClinVar contains an entry for this variant (Variation ID: 1428459). Experimental studies and prediction algorithms are not available or were not evaluated, and the functional significance of this variant is currently unknown. In summary, the available evidence is currently insufficient to determine the role of this variant in disease. Therefore, it has been classified as a Variant of Uncertain Significance.

Ambry Genetics
Classification: Uncertain significance for Cardiovascular phenotype. Last evaluated: 2020-01-24. Review status: criteria provided, single submitter. Criteria: Ambry Variant Classification Scheme 2023. Collection method: clinical testing. Allele origin: germline.
Comment: The p.S1987G variant (also known as c.5959A>G), located in coding exon 8 of the ALMS1 gene, results from an A to G substitution at nucleotide position 5959. The serine at codon 1987 is replaced by glycine, an amino acid with similar properties. This amino acid position is not well conserved in available vertebrate species, and glycine is the reference amino acid in other vertebrate species. In addition, this alteration is predicted to be tolerated by in silico analysis. Since supporting evidence is limited at this time, the clinical significance of this alteration remains unclear.

NM_001378454.1(ALMS1):c.5956A>G (p.Ser1986Gly)

Gene: ALMS1 (ALMS1 centrosome and basal body associated protein; plus strand). Cytogenetic location: 2p13.1.
Variant type: single nucleotide variant.
Coding change: c.5956A>G on transcript NM_001378454.1 (MANE Select); coding-DNA position 5956, A replaced by G.
Protein change: p.Ser1986Gly; replaces serine 1986 with glycine.
Molecular consequence: missense variant.
Genome position (GRCh38, 1-based): chr2:73,452,483, A>G. VCF-style: chr2-73452483-A-G. GRCh37 (hg19) VCF-style: chr2-73679610-A-G.
Other names: c.5959A>G, p.Ser1987Gly (NM_015120.4); short protein forms S1986G, S1987G.
Identifiers: ClinVar variation 1428459 (VCV001428459.5), dbSNP rs778684767, ClinGen allele CA1713966.